The following is an entry in ClinVar:

NM_001127222.2(CACNA1A):c.2383A>T (p.Asn795Tyr)

Gene: CACNA1A (calcium voltage-gated channel subunit alpha1 A; minus strand). Cytogenetic location: 19p13.13.
Variant type: single nucleotide variant.
Coding change: c.2383A>T on transcript NM_001127222.2 (MANE Select); coding-DNA position 2383, A replaced by T.
Protein change: p.Asn795Tyr; replaces asparagine 795 with tyrosine.
Molecular consequence: missense variant.
Genome position (GRCh38, 1-based): chr19:13,299,250, T>A on the plus strand (A>T on the coding strand, the complement: CACNA1A is on the minus strand). VCF-style: chr19-13299250-T-A. GRCh37 (hg19) VCF-style: chr19-13410064-T-A.
Other names: c.2395A>T, p.Asn799Tyr (NM_000068.4, NM_023035.3); c.2386A>T, p.Asn796Tyr (NM_001127221.2, NM_001174080.2); short protein forms N796Y, N795Y, N799Y.
Identifiers: ClinVar variation 1962212 (VCV001962212.5), dbSNP rs2144957818, ClinGen allele CA404343572.
Genomic context (GRCh38, chr19:13,299,250, plus strand): 5'-TGTCTGGCCGCAGGTGCCGCGTGTAGGCAGCCTTCCAGCGCTCGTCCGGGTCCATTTCGT[T>A]ATACAGGGCCTCCCGGCTGGCCAGCAAGTTCTGCTTTCGCATCTCACTGGTCCGCTGCTC-3'
Protein context (NP_001120694.1, residues 785-805): NLLASREALY[Asn795Tyr]EMDPDERWKA

ClinVar aggregate classification (germline): Uncertain significance (1 of 4 stars; one submission).

Conditions:
Episodic ataxia type 2 (EA2). Also called: ATAXIA, EPISODIC, WITH NYSTAGMUS; ATAXIA, FAMILIAL PAROXYSMAL; CEREBELLAR ATAXIA, PAROXYSMAL, ACETAZOLAMIDE-RESPONSIVE; CEREBELLOPATHY, HEREDITARY PAROXYSMAL; EPISODIC ATAXIA, NYSTAGMUS-ASSOCIATED; ACETAZOLAMIDE-RESPONSIVE HEREDITARY PAROXYSMAL CEREBELLAR ATAXIA. Identifiers: Orphanet 97, MedGen C1720416, MONDO:0007163, OMIM 108500.
Developmental and epileptic encephalopathy, 42 (DEE42A). Also called: Epileptic encephalopathy, early infantile, 42; DEVELOPMENTAL AND EPILEPTIC ENCEPHALOPATHY 42A; EPILEPTIC ENCEPHALOPATHY, EARLY INFANTILE, 42A. Identifiers: MedGen C4310716, MONDO:0014917, OMIM 617106.

Submission:

Labcorp Genetics (formerly Invitae), Labcorp
Classification: Uncertain significance for Developmental and epileptic encephalopathy, 42; Episodic ataxia type 2. Last evaluated: 2024-10-16. Review status: criteria provided, single submitter. Criteria: Invitae Variant Classification Sherloc (09022015). Collection method: clinical testing. Allele origin: germline.
Comment: This sequence change replaces asparagine, which is neutral and polar, with tyrosine, which is neutral and polar, at codon 796 of the CACNA1A protein (p.Asn796Tyr). This variant is not present in population databases (gnomAD no frequency). This variant has not been reported in the literature in individuals affected with CACNA1A-related conditions. ClinVar contains an entry for this variant (Variation ID: 1962212). Invitae Evidence Modeling of protein sequence and biophysical properties (such as structural, functional, and spatial information, amino acid conservation, physicochemical variation, residue mobility, and thermodynamic stability) indicates that this missense variant is not expected to disrupt CACNA1A protein function with a negative predictive value of 95%. In summary, the available evidence is currently insufficient to determine the role of this variant in disease. Therefore, it has been classified as a Variant of Uncertain Significance.